The following is an entry in ClinVar:

NM_000361.3(THBD):c.548G>A (p.Gly183Asp)

Gene: THBD (thrombomodulin; minus strand). Cytogenetic location: 20p11.21.
Variant type: single nucleotide variant.
Coding change: c.548G>A on transcript NM_000361.3 (MANE Select); coding-DNA position 548, G replaced by A.
Protein change: p.Gly183Asp; replaces glycine 183 with aspartic acid.
Molecular consequence: missense variant.
Genome position (GRCh38, 1-based): chr20:23,048,957, C>T on the plus strand (G>A on the coding strand, the complement: THBD is on the minus strand). VCF-style: chr20-23048957-C-T. GRCh37 (hg19) VCF-style: chr20-23029594-C-T.
Other names: short protein forms G183D.
Identifiers: ClinVar variation 4848939 (VCV004848939.1).

ClinVar aggregate classification (germline): Uncertain significance (1 of 4 stars; one submission).

Submission:

Women's Health and Genetics/Laboratory Corporation of America, LabCorp
Classification: Uncertain significance. Last evaluated: 2026-04-02. Review status: criteria provided, single submitter. Criteria: LabCorp Variant Classification Summary - May 2015. Collection method: clinical testing. Allele origin: germline.
Comment: Variant summary: THBD c.548G>A (p.Gly183Asp) results in a non-conservative amino acid change in the encoded protein sequence. Algorithms developed to predict the effect of missense changes on protein structure and function are either unavailable or do not agree on the potential impact of this missense change. The variant was absent in 156414 control chromosomes. The available data on variant occurrences in the general population are insufficient to allow any conclusion about variant significance. To our knowledge, no occurrence of c.548G>A in individuals affected with THBD-related conditions and no experimental evidence demonstrating its impact on protein function have been reported. No submitters have cited clinical-significance assessments for this variant to ClinVar. Based on the evidence outlined above, the variant was classified as uncertain significance.